The following is an entry in ClinVar:

NM_021620.4(PRDM13):c.1105G>A (p.Ala369Thr)

Genes: PRDM13 (PR/SET domain 13; plus strand), LOC129996881 (ATAC-STARR-seq lymphoblastoid silent region 17422; plus strand). Cytogenetic location: 6q16.2.
Variant type: single nucleotide variant.
Coding change: c.1105G>A on transcript NM_021620.4 (MANE Select); coding-DNA position 1105, G replaced by A.
Protein change: p.Ala369Thr; replaces alanine 369 with threonine.
Molecular consequence: missense variant.
Genome position (GRCh38, 1-based): chr6:99,613,740, G>A. VCF-style: chr6-99613740-G-A. GRCh37 (hg19) VCF-style: chr6-100061616-G-A.
Other names: c.1105G>A (NM_021620.3); short protein forms A369T.
Identifiers: ClinVar variation 1142965 (VCV001142965.11), dbSNP rs560495179, ClinGen allele CA3936317.
Genomic context (GRCh38, chr6:99,613,740, plus strand): 5'-GGCGCGGGTCACCACCATCACCACCACGCGCACCACCACCACCATCCCAAGTGCCTGCTC[G>A]CTGGGGACCCGCCGCCGCCGCCGCCGCCTGGCCTGCCCTGCTCTGGGGCCCTGCGCGGCT-3'
Protein context (NP_067633.2, residues 359-379): HHHHHPKCLL[Ala369Thr]GDPPPPPPPG

ClinVar aggregate classification (germline): Likely benign. Review status: criteria provided, multiple submitters, no conflicts (2 of 4 stars). 3 submissions from 3 submitters: Likely benign (3). Last evaluated 2026-01-04.

Conditions:
PRDM13-related disorder. Also called: PRDM13-related condition.

Allele frequency attached by ClinVar (database versions not stated): TOPMed 0.00004; gnomAD exomes 0.00097; 1000 Genomes Project 30x 0.00203; ExAC 0.00223; 1000 Genomes Project 0.00260.
gnomAD v4.1: 355 of 1,485,820 alleles (0.024%); highest among the groups gnomAD compares: South Asian, 0.4%; 3 homozygotes.

Submissions (3):

Labcorp Genetics (formerly Invitae), Labcorp
Classification: Likely benign. Last evaluated: 2026-01-04. Review status: criteria provided, single submitter. Criteria: Invitae Variant Classification Sherloc (09022015). Collection method: clinical testing. Allele origin: germline.

PreventionGenetics, part of Exact Sciences
Classification: Likely benign for PRDM13-related condition. Last evaluated: 2025-10-07. Review status: criteria provided, single submitter. Criteria: ACMG Guidelines, 2015. Collection method: clinical testing. Allele origin: germline.
Comment: This variant is classified as likely benign based on ACMG/AMP sequence variant interpretation guidelines (Richards et al. 2015 PMID: 25741868, with internal and published modifications).

Blueprint Genetics
Classification: Likely benign. Last evaluated: 2024-11-19. Review status: criteria provided, single submitter. Criteria: ACMG Guidelines, 2015. Collection method: clinical testing. Allele origin: germline.